The following is an entry in ClinVar:

ClinVar aggregate classification (germline): Pathogenic (1 of 4 stars; one submission).

Conditions:
Hereditary spastic paraplegia 30. Identifiers: Orphanet 101010, MedGen C5235139, MONDO:0012476.
Neuropathy, hereditary sensory, type 2C. Also called: KIF1A-Related HSAN2 (HSAN2C); Hereditary sensory and autonomic neuropathy type IIC. Identifiers: Orphanet 970, MedGen C3280168, MONDO:0013634, OMIM 614213.
Intellectual disability, autosomal dominant 9 (NESCAVS). Also called: KIF1A-Related Neurodevelopmental Disorder; NESCAV SYNDROME. Identifiers: Orphanet 662367, MedGen C5393830, MONDO:0013656, OMIM 614255.

Allele frequency attached by ClinVar (database versions not stated): gnomAD exomes below 0.00001; TOPMed below 0.00001; gnomAD 0.00001; ESP Exome Variant Server 0.00008.

Submission:

Labcorp Genetics (formerly Invitae), Labcorp
Classification: Pathogenic for Hereditary spastic paraplegia 30; Neuropathy, hereditary sensory, type 2C; Intellectual disability, autosomal dominant 9. Last evaluated: 2024-03-07. Review status: criteria provided, single submitter. Criteria: Invitae Variant Classification Sherloc (09022015). Collection method: clinical testing. Allele origin: germline.
Comment: This sequence change creates a premature translational stop signal (p.Arg307*) in the KIF1A gene. It is expected to result in an absent or disrupted protein product. Loss-of-function variants in KIF1A are known to be pathogenic (PMID: 21820098). This variant is not present in population databases (gnomAD no frequency). This variant has not been reported in the literature in individuals affected with KIF1A-related conditions. ClinVar contains an entry for this variant (Variation ID: 1454352). For these reasons, this variant has been classified as Pathogenic.

Literature cited by the submitters: PubMed 21820098.

NM_001244008.2(KIF1A):c.919C>T (p.Arg307Ter)

Gene: KIF1A (kinesin family member 1A; minus strand). Cytogenetic location: 2q37.3.
Variant type: single nucleotide variant.
Coding change: c.919C>T on transcript NM_001244008.2 (MANE Select); coding-DNA position 919, C replaced by T.
Protein change: p.Arg307Ter; replaces arginine 307 with a stop codon.
Molecular consequence: nonsense.
Genome position (GRCh38, 1-based): chr2:240,775,890, G>A on the plus strand (C>T on the coding strand, the complement: KIF1A is on the minus strand). VCF-style: chr2-240775890-G-A. GRCh37 (hg19) VCF-style: chr2-241715307-G-A.
Other names: c.919C>T, p.Arg307Ter (NM_001320705.2, NM_001330289.2, NM_001330290.2 and 20 more transcripts); short protein forms R307*.
Identifiers: ClinVar variation 1454352 (VCV001454352.6), dbSNP rs369692236, ClinGen allele CA68130972.